The following is an entry in ClinVar:

NM_016169.4(SUFU):c.844C>A (p.Pro282Thr)

Gene: SUFU (SUFU negative regulator of hedgehog signaling; plus strand). Cytogenetic location: 10q24.32.
Variant type: single nucleotide variant.
Coding change: c.844C>A on transcript NM_016169.4 (MANE Select); coding-DNA position 844, C replaced by A.
Protein change: p.Pro282Thr; replaces proline 282 with threonine.
Molecular consequence: missense variant.
Genome position (GRCh38, 1-based): chr10:102,597,227, C>A. VCF-style: chr10-102597227-C-A. GRCh37 (hg19) VCF-style: chr10-104356984-C-A.
Other names: c.844C>A, p.Pro282Thr (NM_001178133.2); short protein forms P282T.
Identifiers: ClinVar variation 3451122 (VCV003451122.1).

ClinVar aggregate classification (germline): Uncertain significance (1 of 4 stars; one submission).

Conditions:
Hereditary cancer-predisposing syndrome. Also called: Tumor predisposition; Neoplastic Syndromes, Hereditary; Hereditary neoplastic syndrome; Hereditary Cancer Syndrome. Identifiers: Orphanet 140162, MedGen C0027672, MeSH D009386, MONDO:0015356.

Submission:

Ambry Genetics
Classification: Uncertain significance for Hereditary cancer-predisposing syndrome. Last evaluated: 2024-07-24. Review status: criteria provided, single submitter. Criteria: Ambry Variant Classification Scheme 2023. Collection method: clinical testing. Allele origin: germline.
Comment: The p.P282T variant (also known as c.844C>A), located in coding exon 7 of the SUFU gene, results from a C to A substitution at nucleotide position 844. The proline at codon 282 is replaced by threonine, an amino acid with highly similar properties. This amino acid position is conserved. In addition, the in silico prediction for this alteration is inconclusive. Based on the available evidence, the clinical significance of this variant remains unclear.